The following is an entry in ClinVar:

ClinVar aggregate classification (germline): Pathogenic (1 of 4 stars; one submission).

Conditions:
Autosomal recessive congenital ichthyosis 6 (ARCI6). Identifiers: Orphanet 313, Orphanet 79394, MedGen C2677065, MONDO:0012847, OMIM 612281.

Submission:

Center for Precision Genome Editing and Genetic Technologies for Biomedicine, Pirogov Russian National Research Medical University
Classification: Pathogenic for Autosomal recessive congenital ichthyosis 6. Last evaluated: 2024-01-24. Review status: criteria provided, single submitter. Criteria: ACMG Guidelines, 2015. Collection method: clinical testing. Allele origin: biparental. Inheritance: Autosomal recessive inheritance. Affected: yes. Observed: 1 homozygote.
Comment: This is a missense variant that results in an amino acid substitution and is located within a canonical splicing site. This variant has not been observed in control samples or in patients with Ichthyosis, congenital, autosomal recessive 6 (OMIM: 612281), fulfilling the PM2 criterion. Pathogenicity prediction programs BayesDel addAF and BayesDel noAF classify this variant as pathogenic. Additionally, SpliceAI predicts abnormal splicing, and scSNV-ADA predicts loss of function (LOF), supporting PP3 Strong. Missense variants are a well-established mechanism of disease, fulfilling PP2. Based on the applied ACMG/AMP criteria (PM2, PP2, PP3 Strong), this variant is classified as Pathogenic for Ichthyosis, congenital, autosomal recessive 6 (OMIM: 612281).

NM_001099287.2(NIPAL4):c.586G>A (p.Gly196Arg)

Gene: NIPAL4 (NIPA like domain containing 4; plus strand). Cytogenetic location: 5q33.3.
Variant type: single nucleotide variant.
Coding change: c.586G>A on transcript NM_001099287.2 (MANE Select); coding-DNA position 586, G replaced by A.
Protein change: p.Gly196Arg; replaces glycine 196 with arginine.
Molecular consequence: missense variant.
Genome position (GRCh38, 1-based): chr5:157,471,817, G>A. VCF-style: chr5-157471817-G-A. GRCh37 (hg19) VCF-style: chr5-156898825-G-A.
Other names: c.529G>A, p.Gly177Arg (NM_001172292.2); short protein forms G177R, G196R.
Identifiers: ClinVar variation 3775110 (VCV003775110.1).